The following is an entry in ClinVar:

NM_015378.4(VPS13D):c.12424del (p.Ser4142fs)

Gene: VPS13D (vacuolar protein sorting 13 homolog D; plus strand). Cytogenetic location: 1p36.22.
Variant type: Deletion.
Coding change: c.12424del on transcript NM_015378.4 (MANE Select); coding-DNA position 12424, one base deleted (A; older notation c.12424delA).
Protein change: p.Ser4142fs; shifts the reading frame from serine 4142.
Molecular consequence: frameshift variant.
Genome position (GRCh38, 1-based): chr1:12,456,088, A deleted; the last of 2 consecutive A bases (chr1:12,456,087-12,456,088); deleting either gives the same sequence. VCF-style (leftmost placement, unchanged base first): chr1-12456086-CA-C. GRCh37 (hg19) VCF-style: chr1-12516142-CA-C.
Other names: c.12349del, p.Ser4117fs (NM_018156.4); short protein forms S4117fs, S4142fs.
Identifiers: ClinVar variation 4813070 (VCV004813070.1).

ClinVar aggregate classification (germline): Likely pathogenic (1 of 4 stars; one submission).

Conditions:
Autosomal recessive cerebellar ataxia-saccadic intrusion syndrome. Also called: SPINOCEREBELLAR ATAXIA 24; VPS13D Movement Disorder. Identifiers: Orphanet 95434, MedGen C1846492, MONDO:0011811, OMIM 607317.

Submission:

Variantyx, Inc.
Classification: Likely pathogenic for Autosomal recessive cerebellar ataxia-saccadic intrusion syndrome. Last evaluated: 2025-04-24. Review status: criteria provided, single submitter. Criteria: Variantyx Assertion Criteria 2022. Collection method: clinical testing. Allele origin: germline. Inheritance: Autosomal recessive inheritance.
Comment: This is a frameshift variant in the VPS13D gene (OMIM: 608877). Pathogenic variants in this gene have been associated with autosomal recessive spinocerebellar ataxia-4. This variant introduces a premature termination codon in exon 66 out of 70 and is expected to result in loss of function, which is a known disease mechanism for VPS13D in this disorder (PMID:29518281, 29604224) (PVS1). This variant is absent from control populations (PM2) and it has not been reported in individuals with VPS13D-related disorders in the databases available for review. Based on the current evidence, this variant is classified as likely pathogenic for autosomal recessive spinocerebellar ataxia-4.

Literature cited by the submitters: PubMed 29518281; PubMed 29604224.